The following is an entry in ClinVar:

NM_004064.5(CDKN1B):c.20C>G (p.Ser7Cys)

Gene: CDKN1B (cyclin dependent kinase inhibitor 1B; plus strand). Cytogenetic location: 12p13.1.
Variant type: single nucleotide variant.
Coding change: c.20C>G on transcript NM_004064.5 (MANE Select); coding-DNA position 20, C replaced by G.
Protein change: p.Ser7Cys; replaces serine 7 with cysteine.
Molecular consequence: missense variant.
Genome position (GRCh38, 1-based): chr12:12,717,859, C>G. VCF-style: chr12-12717859-C-G. GRCh37 (hg19) VCF-style: chr12-12870793-C-G.
Other names: short protein forms S7C.
Identifiers: ClinVar variation 469005 (VCV000469005.18), dbSNP rs368157535, ClinGen allele CA233059551.
Genomic context (GRCh38, chr12:12,717,859, plus strand): 5'-TGAGAGTGCGAGAGAGGCGGTCGTGCAGACCCGGGAGAAAGATGTCAAACGTGCGAGTGT[C>G]TAACGGGAGCCCTAGCCTGGAGCGGATGGACGCCAGGCAGGCGGAGCACCCCAAGCCCTC-3'
Protein context (NP_004055.1, residues 1-17): MSNVRV[Ser7Cys]NGSPSLERMD

ClinVar aggregate classification (germline): Uncertain significance. Review status: criteria provided, multiple submitters, no conflicts (2 of 4 stars). 4 submissions from 4 submitters: Uncertain significance (4). Last evaluated 2025-12-16.

Conditions:
Multiple endocrine neoplasia type 4. Also called: MULTIPLE ENDOCRINE NEOPLASIA, TYPE IV. Identifiers: Orphanet 276152, MedGen C1970712, MONDO:0012552, OMIM 610755.
Hereditary cancer-predisposing syndrome. Also called: Hereditary neoplastic syndrome; Neoplastic Syndromes, Hereditary; Tumor predisposition; Hereditary Cancer Syndrome. Identifiers: Orphanet 140162, MedGen C0027672, MeSH D009386, MONDO:0015356.

Allele frequency attached by ClinVar (database versions not stated): TOPMed 0.00001; gnomAD 0.00002; ESP Exome Variant Server 0.00008.
gnomAD v4.1: 8 of 1,613,480 alleles (0.0005%); highest among the groups gnomAD compares: Non-Finnish European, 0.00059%; no homozygotes.

Submissions (4):

Labcorp Genetics (formerly Invitae), Labcorp
Classification: Uncertain significance for Multiple endocrine neoplasia type 4. Last evaluated: 2025-12-16. Review status: criteria provided, single submitter. Criteria: Invitae Variant Classification Sherloc (09022015). Collection method: clinical testing. Allele origin: germline.
Comment: This sequence change replaces serine, which is neutral and polar, with cysteine, which is neutral and slightly polar, at codon 7 of the CDKN1B protein (p.Ser7Cys). This variant is not present in population databases (gnomAD no frequency). This variant has not been reported in the literature in individuals affected with CDKN1B-related conditions. ClinVar contains an entry for this variant (Variation ID: 469005). An algorithm developed to predict the effect of missense changes on protein structure and function (PolyPhen-2) suggests that this variant is likely to be disruptive. In summary, the available evidence is currently insufficient to determine the role of this variant in disease. Therefore, it has been classified as a Variant of Uncertain Significance.

Ambry Genetics
Classification: Uncertain significance for Hereditary cancer-predisposing syndrome. Last evaluated: 2025-09-22. Review status: criteria provided, single submitter. Criteria: Ambry Variant Classification Scheme 2023. Collection method: clinical testing. Allele origin: germline.
Comment: The p.S7C variant (also known as c.20C>G), located in coding exon 1 of the CDKN1B gene, results from a C to G substitution at nucleotide position 20. The serine at codon 7 is replaced by cysteine, an amino acid with dissimilar properties. This amino acid position is highly conserved in available vertebrate species. In addition, the in silico prediction for this alteration is inconclusive. Since supporting evidence is limited at this time, the clinical significance of this alteration remains unclear.

Baylor Genetics
Classification: Uncertain significance for Multiple endocrine neoplasia type 4. Last evaluated: 2024-01-24. Review status: criteria provided, single submitter. Criteria: ACMG Guidelines, 2015. Collection method: clinical testing. Allele origin: unknown.

Fulgent Genetics
Classification: Uncertain significance for Multiple endocrine neoplasia type 4. Last evaluated: 2022-02-21. Review status: criteria provided, single submitter. Criteria: ACMG Guidelines, 2015. Collection method: clinical testing. Allele origin: unknown.